The following is an entry in ClinVar:

ClinVar aggregate classification (germline): Likely benign. Review status: criteria provided, multiple submitters, no conflicts (2 of 4 stars). 3 submissions from 3 submitters: Likely benign (2). 1 of the submissions does not count toward it. Last evaluated 2026-01-20.

Conditions:
Primary ciliary dyskinesia. Also called: Ciliary dyskinesia. Identifiers: Orphanet 244, MedGen C0008780, MONDO:0016575, HP:0012265.
DNAAF11-related disorder. Also called: DNAAF11-related condition.
Primary ciliary dyskinesia 19. Also called: CILIARY DYSKINESIA, PRIMARY, 19, WITH OR WITHOUT SITUS INVERSUS. Identifiers: Orphanet 244, MedGen C3543826, MONDO:0013979, OMIM 614935.

Allele frequency attached by ClinVar (database versions not stated): ESP Exome Variant Server 0.00008; TOPMed 0.00011; gnomAD 0.00012 and 0.00013; ExAC 0.00017.
gnomAD v4.1: 229 of 1,613,926 alleles (0.014%); highest among the groups gnomAD compares: Non-Finnish European, 0.018%; no homozygotes.

Submissions (3):

Labcorp Genetics (formerly Invitae), Labcorp
Classification: Likely benign for Primary ciliary dyskinesia 19. Last evaluated: 2026-01-20. Review status: criteria provided, single submitter. Criteria: Invitae Variant Classification Sherloc (09022015). Collection method: clinical testing. Allele origin: germline.

Ambry Genetics
Classification: Likely benign for Primary ciliary dyskinesia. Last evaluated: 2023-07-27. Review status: criteria provided, single submitter. Criteria: Ambry Variant Classification Scheme 2023. Collection method: clinical testing. Allele origin: germline.

PreventionGenetics, part of Exact Sciences
Classification: Likely benign for DNAAF11-related condition. Last evaluated: 2024-05-22. Review status: no assertion criteria provided. Collection method: clinical testing. Allele origin: germline. Not counted in ClinVar's aggregate classification.
Comment: This variant is classified as likely benign based on ACMG/AMP sequence variant interpretation guidelines (Richards et al. 2015 PMID: 25741868, with internal and published modifications).

NM_012472.6(DNAAF11):c.369C>T (p.Asn123=)

Gene: DNAAF11 (dynein axonemal assembly factor 11; minus strand). Cytogenetic location: 8q24.22.
Variant type: single nucleotide variant.
Coding change: c.369C>T on transcript NM_012472.6 (MANE Select); coding-DNA position 369, C replaced by T.
Protein change: p.Asn123=; no amino-acid change (asparagine 123 retained).
Molecular consequence: synonymous variant. On other transcripts: non-coding transcript variant (10).
Genome position (GRCh38, 1-based): chr8:132,637,995, G>A on the plus strand (C>T on the coding strand, the complement: DNAAF11 is on the minus strand). VCF-style: chr8-132637995-G-A. GRCh37 (hg19) VCF-style: chr8-133650241-G-A.
Other names: c.369C>T, p.Asn123= (NM_001321961.2); c.123C>T, p.Asn41= (NM_001321962.2); c.9C>T, p.Asn3= (NM_001321963.2, NM_001321964.2, NM_001321965.2 and 1 more transcripts); c.369C>T (NM_012472.3, NM_012472.5).
Identifiers: ClinVar variation 724272 (VCV000724272.10), dbSNP rs373347833, ClinGen allele CA4881398.